The following is an entry in ClinVar:

ClinVar aggregate classification (germline): Pathogenic (1 of 4 stars; one submission).

Submission:

Labcorp Genetics (formerly Invitae), Labcorp
Classification: Pathogenic. Last evaluated: 2023-09-24. Review status: criteria provided, single submitter. Criteria: Invitae Variant Classification Sherloc (09022015). Collection method: clinical testing. Allele origin: germline.
Comment: This variant has not been reported in the literature in individuals affected with MYO15A-related conditions. For these reasons, this variant has been classified as Pathogenic. This variant is present in population databases (no rsID available, gnomAD 0.002%). This sequence change creates a premature translational stop signal (p.Asn1686Lysfs*13) in the MYO15A gene. It is expected to result in an absent or disrupted protein product. Loss-of-function variants in MYO15A are known to be pathogenic (PMID: 17546645).

Literature cited by the submitters: PubMed 17546645.

NM_016239.4(MYO15A):c.5057dup (p.Asn1686fs)

Gene: MYO15A (myosin XVA; plus strand). Cytogenetic location: 17p11.2.
Variant type: Duplication.
Coding change: c.5057dup on transcript NM_016239.4 (MANE Select); coding-DNA position 5057, one base duplicated (A; older notation c.5057dupA).
Protein change: p.Asn1686fs; shifts the reading frame from asparagine 1686.
Molecular consequence: frameshift variant.
Genome position (GRCh38, 1-based): chr17:18,138,860, A duplicated; the last of 2 consecutive A bases (chr17:18,138,859-18,138,860); duplicating either gives the same sequence. VCF-style (leftmost placement, unchanged base first): chr17-18138858-C-CA. GRCh37 (hg19) VCF-style: chr17-18042172-C-CA.
Other names: short protein forms N1686fs.
Identifiers: ClinVar variation 3006108 (VCV003006108.3), dbSNP rs936567127, ClinGen allele CA288402502.